The following is an entry in ClinVar:

ClinVar aggregate classification (germline): Likely pathogenic. Review status: criteria provided, multiple submitters, no conflicts (2 of 4 stars). 5 submissions from 5 submitters: Likely pathogenic (3). 2 of the submissions do not count toward it. Last evaluated 2026-02-18.

Conditions:
SLC5A2-related disorder. Also called: SLC5A2-related condition.
Familial renal glucosuria (GLYS). Also called: Familial renal glycosuria; RENAL GLUCOSURIA, AUTOSOMAL DOMINANT. Identifiers: Orphanet 69076, MedGen C3245525, MONDO:0009297, OMIM 233100.

Allele frequency attached by ClinVar (database versions not stated): gnomAD exomes 0.00001 and 0.00003; gnomAD 0.00002; TOPMed 0.00003; ExAC 0.00007; ESP Exome Variant Server 0.00008.

Submissions (5):

Dasa
Classification: Likely pathogenic. Last evaluated: 2026-02-18. Review status: criteria provided, single submitter. Criteria: DASA Assertion Criteria. Collection method: clinical testing. Allele origin: germline.
Comment: NM_003041.4(SLC5A2):c.1102C>T (p.Arg368Trp) is a missense variant that results in the substitution of arginine with tryptophan. The affected residue or protein region has prior evidence supporting clinical relevance. This variant has been recurrently observed in individuals with SLC5A2-related disorders (PMID: 14569097; PMID: 18622023). Also, this variant is rare in population databases. Computational evidence supports a deleterious effect. Based on the currently available evidence, this variant is classified as likely pathogenic.

Blueprint Genetics
Classification: Likely pathogenic for SLC5A2-related disorders. Last evaluated: 2024-06-19. Review status: criteria provided, single submitter. Criteria: ACMG Guidelines, 2015. Collection method: clinical testing. Allele origin: germline. Affected: yes. Observed: 2 variant alleles.

Fulgent Genetics
Classification: Likely pathogenic for Familial renal glucosuria. Last evaluated: 2024-02-08. Review status: criteria provided, single submitter. Criteria: ACMG Guidelines, 2015. Collection method: clinical testing. Allele origin: germline.

Genome Diagnostics Laboratory, University Medical Center Utrecht
Classification: Pathogenic. Review status: no assertion criteria provided. Collection method: clinical testing. Allele origin: germline. Affected: yes. Study: VKGL Data-share Consensus. Not counted in ClinVar's aggregate classification.

Joint Genome Diagnostic Labs from Nijmegen and Maastricht, Radboudumc and MUMC+
Classification: Likely pathogenic. Review status: no assertion criteria provided. Collection method: clinical testing. Allele origin: germline. Affected: yes. Study: VKGL Data-share Consensus. Not counted in ClinVar's aggregate classification.

Literature cited by the submitters: PubMed 14569097 (cited by Dasa); PubMed 18622023 (cited by Dasa).

NM_003041.4(SLC5A2):c.1102C>T (p.Arg368Trp)

Gene: SLC5A2 (solute carrier family 5 member 2; plus strand). Cytogenetic location: 16p11.2.
Variant type: single nucleotide variant.
Coding change: c.1102C>T on transcript NM_003041.4 (MANE Select); coding-DNA position 1102, C replaced by T.
Protein change: p.Arg368Trp; replaces arginine 368 with tryptophan.
Molecular consequence: missense variant. On other transcripts: non-coding transcript variant (1).
Genome position (GRCh38, 1-based): chr16:31,488,463, C>T. VCF-style: chr16-31488463-C-T. GRCh37 (hg19) VCF-style: chr16-31499784-C-T.
Other names: short protein forms R368W.
Identifiers: ClinVar variation 1285213 (VCV001285213.8), dbSNP rs148410166, ClinGen allele CA8030983.